The following is an entry in ClinVar:

NM_015057.5(MYCBP2):c.8375A>G (p.His2792Arg)

Gene: MYCBP2 (MYC binding protein 2; minus strand). Cytogenetic location: 13q22.3.
Variant type: single nucleotide variant.
Coding change: c.8375A>G on transcript NM_015057.5 (MANE Select); coding-DNA position 8375, A replaced by G.
Protein change: p.His2792Arg; replaces histidine 2792 with arginine.
Molecular consequence: missense variant.
Genome position (GRCh38, 1-based): chr13:77,098,779, T>C on the plus strand (A>G on the coding strand, the complement: MYCBP2 is on the minus strand). VCF-style: chr13-77098779-T-C. GRCh37 (hg19) VCF-style: chr13-77672914-T-C.
Other names: short protein forms H2792R.
Identifiers: ClinVar variation 3359515 (VCV003359515.1).

ClinVar aggregate classification (germline): Uncertain significance (1 of 4 stars; one submission).

Submission:

GeneDx
Classification: Uncertain significance. Last evaluated: 2023-06-01. Review status: criteria provided, single submitter. Criteria: GeneDx Variant Classification Process June 2021. Collection method: clinical testing. Allele origin: germline. Affected: yes.
Comment: In silico analysis supports that this missense variant has a deleterious effect on protein structure/function; Has not been previously published as pathogenic or benign to our knowledge